The following is an entry in ClinVar:

ClinVar aggregate classification (germline): Uncertain significance (1 of 4 stars; one submission).

Allele frequency attached by ClinVar (database versions not stated): gnomAD exomes below 0.00001 and 0.00002; ExAC 0.00001; gnomAD 0.00001 and 0.00002; TOPMed 0.00002; ESP Exome Variant Server 0.00008.
gnomAD v4.1: 37 of 1,609,928 alleles (0.0023%); highest among the groups gnomAD compares: Non-Finnish European, 0.0031%; no homozygotes.

Submission:

GeneDx
Classification: Uncertain significance. Last evaluated: 2019-10-14. Review status: criteria provided, single submitter. Criteria: GeneDx Variant Classification Process June 2021. Collection method: clinical testing. Allele origin: germline. Affected: yes.
Comment: Not observed at a significant frequency in large population cohorts (Lek et al., 2016); In silico analysis, which includes protein predictors and evolutionary conservation, supports a deleterious effect; Has not been previously published as pathogenic or benign to our knowledge

NM_014804.3(KIAA0753):c.2767C>T (p.Pro923Ser)

Gene: KIAA0753 (KIAA0753; minus strand). Cytogenetic location: 17p13.1.
Variant type: single nucleotide variant.
Coding change: c.2767C>T on transcript NM_014804.3 (MANE Select); coding-DNA position 2767, C replaced by T.
Protein change: p.Pro923Ser; replaces proline 923 with serine.
Molecular consequence: missense variant. On other transcripts: non-coding transcript variant (3).
Genome position (GRCh38, 1-based): chr17:6,589,798, G>A on the plus strand (C>T on the coding strand, the complement: KIAA0753 is on the minus strand). VCF-style: chr17-6589798-G-A. GRCh37 (hg19) VCF-style: chr17-6493118-G-A.
Other names: c.1870C>T, p.Pro624Ser (NM_001351225.2); short protein forms P624S, P923S.
Identifiers: ClinVar variation 1309330 (VCV001309330.2), dbSNP rs376716723, ClinGen allele CA8330058.